The following is an entry in ClinVar:

ClinVar aggregate classification (germline): Uncertain significance (1 of 4 stars; one submission).

Conditions:
Cystic fibrosis (CF). Also called: MUCOVISCIDOSIS. Identifiers: Orphanet 586, MedGen C0010674, MONDO:0009061, OMIM 219700. Disease mechanism: loss of function.

Submission:

Ambry Genetics
Classification: Uncertain significance for Cystic fibrosis. Last evaluated: 2024-07-30. Review status: criteria provided, single submitter. Criteria: Ambry Variant Classification Scheme 2023. Collection method: clinical testing. Allele origin: germline.
Comment: The p.G780D variant (also known as c.2339G>A), located in coding exon 14 of the CFTR gene, results from a G to A substitution at nucleotide position 2339. The glycine at codon 780 is replaced by aspartic acid, an amino acid with similar properties. This amino acid position is conserved. In addition, this alteration is predicted to be deleterious by in silico analysis. Based on the available evidence, the clinical significance of this variant remains unclear.

NM_000492.4(CFTR):c.2339G>A (p.Gly780Asp)

Gene: CFTR (CF transmembrane conductance regulator; plus strand). Cytogenetic location: 7q31.2.
Variant type: single nucleotide variant.
Coding change: c.2339G>A on transcript NM_000492.4 (MANE Select); coding-DNA position 2339, G replaced by A.
Protein change: p.Gly780Asp; replaces glycine 780 with aspartic acid.
Molecular consequence: missense variant.
Genome position (GRCh38, 1-based): chr7:117,592,506, G>A. VCF-style: chr7-117592506-G-A. GRCh37 (hg19) VCF-style: chr7-117232560-G-A.
Other names: short protein forms G780D.
Identifiers: ClinVar variation 3491640 (VCV003491640.1).
Genomic context (GRCh38, chr7:117,592,506, plus strand): 5'-CGCTTCAGGCACGAAGGAGGCAGTCTGTCCTGAACCTGATGACACACTCAGTTAACCAAG[G>A]TCAGAACATTCACCGAAAGACAACAGCATCCACACGAAAAGTGTCACTGGCCCCTCAGGC-3'
Protein context (NP_000483.3, residues 770-790): LNLMTHSVNQ[Gly780Asp]QNIHRKTTAS